The following is an entry in ClinVar:

ClinVar aggregate classification (germline): Benign (0 of 4 stars; one submission).

Conditions:
KCNJ12-related disorder. Also called: KCNJ12-related condition.

Allele frequency attached by ClinVar (database versions not stated): gnomAD exomes 0.00023; 1000 Genomes Project 30x 0.30559; ExAC 0.49353.

Submission:

PreventionGenetics, part of Exact Sciences
Classification: Benign for KCNJ12-related condition. Last evaluated: 2019-10-17. Review status: no assertion criteria provided. Collection method: clinical testing. Allele origin: germline.
Comment: This variant is classified as benign based on ACMG/AMP sequence variant interpretation guidelines (Richards et al. 2015 PMID: 25741868, with internal and published modifications).

NM_021012.5(KCNJ12):c.631C>T (p.Leu211Phe)

Gene: KCNJ12 (potassium inwardly rectifying channel subfamily J member 12; plus strand). Cytogenetic location: 17p11.2.
Variant type: single nucleotide variant.
Coding change: c.631C>T on transcript NM_021012.5 (MANE Select); coding-DNA position 631, C replaced by T.
Protein change: p.Leu211Phe; replaces leucine 211 with phenylalanine.
Molecular consequence: missense variant.
Genome position (GRCh38, 1-based): chr17:21,415,973, C>T. VCF-style: chr17-21415973-C-T. GRCh37 (hg19) VCF-style: chr17-21319285-C-T.
Other names: short protein forms L211F.
Identifiers: ClinVar variation 3059938 (VCV003059938.2), dbSNP rs72846667, ClinGen allele CA8451206.